The following is an entry in ClinVar:

ClinVar aggregate classification (germline): Likely benign (0 of 4 stars; one submission).

Conditions:
PKHD1-related disorder. Also called: PKHD1-related condition.

Allele frequency attached by ClinVar (database versions not stated): gnomAD exomes 0.00003; TOPMed 0.00006; ExAC 0.00010.
gnomAD v4.1: 38 of 1,547,970 alleles (0.0025%); highest among the groups gnomAD compares: Admixed American, 0.063%; no homozygotes.

Submission:

PreventionGenetics, part of Exact Sciences
Classification: Likely benign for PKHD1-related condition. Last evaluated: 2021-12-27. Review status: no assertion criteria provided. Collection method: clinical testing. Allele origin: germline.
Comment: This variant is classified as likely benign based on ACMG/AMP sequence variant interpretation guidelines (Richards et al. 2015 PMID: 25741868, with internal and published modifications).

NM_138694.4(PKHD1):c.-17T>C

Gene: PKHD1 (PKHD1 ciliary IPT domain containing fibrocystin/polyductin; minus strand). Cytogenetic location: 6p12.2.
Variant type: single nucleotide variant.
Coding change: c.-17T>C on transcript NM_138694.4 (MANE Select); 17 bases upstream of the start codon, T replaced by C.
Molecular consequence: 5 prime UTR variant.
Genome position (GRCh38, 1-based): chr6:52,084,950, A>G on the plus strand (T>C on the coding strand, the complement: PKHD1 is on the minus strand). VCF-style: chr6-52084950-A-G. GRCh37 (hg19) VCF-style: chr6-51949748-A-G.
Other names: c.-17T>C (NM_170724.3).
Identifiers: ClinVar variation 3047966 (VCV003047966.2), dbSNP rs745531098, ClinGen allele CA3854085.
Genomic context (GRCh38, chr6:52,084,950, plus strand): 5'-AGTAGTACTTCAATACTCATCAGAGAGATCAGCCAGGCAGTCATTCTGTCCACTTAAATC[A>G]ATACTCTTAAGATTGCTCAGACATTAAAAGCATTTTCAGTTTTGATTGGAGCAGCATAGC-3'